The following is an entry in ClinVar:

NM_004393.6(DAG1):c.2315dup (p.Met772fs)

Gene: DAG1 (dystroglycan 1; plus strand). Cytogenetic location: 3p21.31.
Variant type: Duplication.
Coding change: c.2315dup on transcript NM_004393.6 (MANE Select); coding-DNA position 2315, one base duplicated (T; older notation c.2315dupT).
Protein change: p.Met772fs; shifts the reading frame from methionine 772.
Molecular consequence: frameshift variant.
Genome position (GRCh38, 1-based): chr3:49,532,826, T duplicated. VCF-style (leftmost placement, unchanged base first): chr3-49532825-A-AT. GRCh37 (hg19) VCF-style: chr3-49570258-A-AT.
Other names: c.2315dup, p.Met772fs (NM_001165928.4, NM_001177634.3, NM_001177635.3 and 9 more transcripts); short protein forms M772fs.
Identifiers: ClinVar variation 1388363 (VCV001388363.7), dbSNP rs2107953983, ClinGen allele CA2573137186.
Genomic context (GRCh38, chr3:49,532,825, plus strand): 5'-CACACAGTCATTCCGGCCGTGGTGGTCGCAGCCATCCTGCTCATTGCTGGCATCATTGCC[A>AT]TGATCTGCTACCGCAAGAAGCGGAAGGGCAAGCTTACCCTTGAGGACCAGGCCACCTTCA-3'

ClinVar aggregate classification (germline): Uncertain significance (1 of 4 stars; one submission).

Conditions:
Autosomal recessive limb-girdle muscular dystrophy type 2P. Also called: MUSCULAR DYSTROPHY-DYSTROGLYCANOPATHY, LIMB-GIRDLE, DAG1-RELATED; Limb-Girdle Muscular Dystrophy Type 9C; MUSCULAR DYSTROPHY, LIMB-GIRDLE, TYPE 2P. Identifiers: Orphanet 280333, MedGen C4511963, MONDO:0013440, OMIM 613818.
Muscular dystrophy-dystroglycanopathy (congenital with brain and eye anomalies), type A9. Also called: Muscular dystrophy-dystroglycanopathy (congenital with brain and eye anomalies), type a, 9; WALKER-WARBURG SYNDROME OR MUSCLE-EYE BRAIN DISEASE, DAG1-RELATED. Identifiers: Orphanet 370997, Orphanet 899, MedGen C4225291, MONDO:0014683, OMIM 616538.

Submission:

Labcorp Genetics (formerly Invitae), Labcorp
Classification: Uncertain significance for Autosomal recessive limb-girdle muscular dystrophy type 2P; Muscular dystrophy-dystroglycanopathy (congenital with brain and eye anomalies), type A9. Last evaluated: 2023-10-13. Review status: criteria provided, single submitter. Criteria: Invitae Variant Classification Sherloc (09022015). Collection method: clinical testing. Allele origin: germline.
Comment: This sequence change creates a premature translational stop signal (p.Met772Ilefs*15) in the DAG1 gene. While this is not anticipated to result in nonsense mediated decay, it is expected to disrupt the last 124 amino acid(s) of the DAG1 protein. This variant is not present in population databases (gnomAD no frequency). This variant has not been reported in the literature in individuals affected with DAG1-related conditions. ClinVar contains an entry for this variant (Variation ID: 1388363). Experimental studies and prediction algorithms are not available or were not evaluated, and the functional significance of this variant is currently unknown. In summary, the available evidence is currently insufficient to determine the role of this variant in disease. Therefore, it has been classified as a Variant of Uncertain Significance.